The following is an entry in ClinVar:

ClinVar aggregate classification (germline): Uncertain significance. Review status: criteria provided, multiple submitters, no conflicts (2 of 4 stars). 2 submissions from 2 submitters: Uncertain significance (2). Last evaluated 2026-03-11.

Conditions:
Inborn genetic diseases. Identifiers: MedGen C0950123, MeSH D030342.

gnomAD v4.1: 1 of 1,610,942 alleles (0.000062%); highest among the groups gnomAD compares: Non-Finnish European, 0.000085%; no homozygotes.

Submissions (2):

Ambry Genetics
Classification: Uncertain significance for Inborn genetic diseases. Last evaluated: 2026-03-11. Review status: criteria provided, single submitter. Criteria: Ambry Variant Classification Scheme 2023. Collection method: clinical testing. Allele origin: germline.

Women's Health and Genetics/Laboratory Corporation of America, LabCorp
Classification: Uncertain significance. Last evaluated: 2024-09-13. Review status: criteria provided, single submitter. Criteria: LabCorp Variant Classification Summary - May 2015. Collection method: clinical testing. Allele origin: germline.
Comment: Variant summary: CACNA1G c.332C>T (p.Ser111Phe) results in a non-conservative amino acid change located in an Ion transport domain (IPR005821) of the encoded protein sequence. Five of five in-silico tools predict a damaging effect of the variant on protein function. The variant was absent in 247042 control chromosomes. The available data on variant occurrences in the general population are insufficient to allow any conclusion about variant significance. To our knowledge, no occurrence of c.332C>T in individuals affected with Spinocerebellar Ataxia Type 42 and no experimental evidence demonstrating its impact on protein function have been reported. No submitters have cited clinical-significance assessments for this variant to ClinVar. Based on the evidence outlined above, the variant was classified as uncertain significance.

NM_018896.5(CACNA1G):c.332C>T (p.Ser111Phe)

Gene: CACNA1G (calcium voltage-gated channel subunit alpha1 G; plus strand). Cytogenetic location: 17q21.33.
Variant type: single nucleotide variant.
Coding change: c.332C>T on transcript NM_018896.5 (MANE Select); coding-DNA position 332, C replaced by T.
Protein change: p.Ser111Phe; replaces serine 111 with phenylalanine.
Molecular consequence: missense variant. On other transcripts: non-coding transcript variant (5).
Genome position (GRCh38, 1-based): chr17:50,568,959, C>T. VCF-style: chr17-50568959-C-T. GRCh37 (hg19) VCF-style: chr17-48646320-C-T.
Other names: c.332C>T (NM_018896.3); c.332C>T, p.Ser111Phe (NM_001256324.2, NM_001256325.2, NM_001256326.2 and 24 more transcripts); short protein forms S111F.
Identifiers: ClinVar variation 3374826 (VCV003374826.2).